The following is an entry in ClinVar:

ClinVar aggregate classification (germline): Uncertain significance (1 of 4 stars; one submission).

Conditions:
CHRNA4-related disorder. Also called: CHRNA4-related condition.

gnomAD v4.1: 1 of 1,613,954 alleles (0.000062%); highest among the groups gnomAD compares: East Asian, 0.0022%; no homozygotes.

Submission:

PreventionGenetics, part of Exact Sciences
Classification: Uncertain significance for CHRNA4-related condition. Last evaluated: 2025-09-12. Review status: criteria provided, single submitter. Criteria: ACMG Guidelines, 2015. Collection method: clinical testing. Allele origin: germline.
Comment: The CHRNA4 c.482G>C variant is predicted to result in the amino acid substitution p.Cys161Ser. To our knowledge, this variant has not been reported in the literature or in a large population database (gnomAD), indicating this variant is rare. At this time, the clinical significance of this variant is uncertain due to the absence of conclusive functional and genetic evidence.

NM_000744.7(CHRNA4):c.482G>C (p.Cys161Ser)

Gene: CHRNA4 (cholinergic receptor nicotinic alpha 4 subunit; minus strand). Cytogenetic location: 20q13.33.
Variant type: single nucleotide variant.
Coding change: c.482G>C on transcript NM_000744.7 (MANE Select); coding-DNA position 482, G replaced by C.
Protein change: p.Cys161Ser; replaces cysteine 161 with serine.
Molecular consequence: missense variant. On other transcripts: 5 prime UTR variant (1), non-coding transcript variant (1).
Genome position (GRCh38, 1-based): chr20:63,350,929, C>G on the plus strand (G>C on the coding strand, the complement: CHRNA4 is on the minus strand). VCF-style: chr20-63350929-C-G. GRCh37 (hg19) VCF-style: chr20-61982281-C-G.
Other names: c.-47G>C (NM_001256573.2); short protein forms C161S.
Identifiers: ClinVar variation 4994663 (VCV004994663.1).
Genomic context (GRCh38, chr20:63,350,929, plus strand): 5'-GAGCCGAATTTCATGGTGCAGTTCTGCTGGTCGAAGGGGAAGAAGGTGACGTCGATGCTG[C>G]AGGAGCTCTTGTAAATGGCCGGGGGAGTCCACTGCACCCGCCCGTCATGGAACAGGTGGG-3'
Protein context (NP_000735.1, residues 151-171): WTPPAIYKSS[Cys161Ser]SIDVTFFPFD